The following is an entry in ClinVar:

ClinVar aggregate classification (germline): Uncertain significance (1 of 4 stars; one submission).

Conditions:
Norman-Roberts syndrome (LIS2). Also called: Lissencephaly 2 (Norman-Roberts type). Identifiers: Orphanet 89844, MedGen C0796089, MONDO:0009760, OMIM 257320.
Familial temporal lobe epilepsy 7. Identifiers: Orphanet 101046, MedGen C4225327, MONDO:0014639, OMIM 616436.

Allele frequency attached by ClinVar (database versions not stated): gnomAD exomes below 0.00001.
gnomAD v4.1: 3 of 1,614,082 alleles (0.00019%); highest among the groups gnomAD compares: Admixed American, 0.0033%; no homozygotes.

Submission:

Labcorp Genetics (formerly Invitae), Labcorp
Classification: Uncertain significance for Familial temporal lobe epilepsy 7; Norman-Roberts syndrome. Last evaluated: 2025-10-18. Review status: criteria provided, single submitter. Criteria: Invitae Variant Classification Sherloc (09022015). Collection method: clinical testing. Allele origin: germline.
Comment: This sequence change replaces threonine, which is neutral and polar, with alanine, which is neutral and non-polar, at codon 2668 of the RELN protein (p.Thr2668Ala). This variant is not present in population databases (gnomAD no frequency). This variant has not been reported in the literature in individuals affected with RELN-related conditions. ClinVar contains an entry for this variant (Variation ID: 951330). Invitae Evidence Modeling of protein sequence and biophysical properties (such as structural, functional, and spatial information, amino acid conservation, physicochemical variation, residue mobility, and thermodynamic stability) indicates that this missense variant is not expected to disrupt RELN protein function with a negative predictive value of 80%. In summary, the available evidence is currently insufficient to determine the role of this variant in disease. Therefore, it has been classified as a Variant of Uncertain Significance.

NM_005045.4(RELN):c.8002A>G (p.Thr2668Ala)

Gene: RELN (reelin; minus strand). Cytogenetic location: 7q22.1.
Variant type: single nucleotide variant.
Coding change: c.8002A>G on transcript NM_005045.4 (MANE Select); coding-DNA position 8002, A replaced by G.
Protein change: p.Thr2668Ala; replaces threonine 2668 with alanine.
Molecular consequence: missense variant.
Genome position (GRCh38, 1-based): chr7:103,515,302, T>C on the plus strand (A>G on the coding strand, the complement: RELN is on the minus strand). VCF-style: chr7-103515302-T-C. GRCh37 (hg19) VCF-style: chr7-103155749-T-C.
Other names: c.8002A>G, p.Thr2668Ala (NM_173054.3); short protein forms T2668A.
Identifiers: ClinVar variation 951330 (VCV000951330.9), dbSNP rs1829535471, ClinGen allele CA368763063.
Genomic context (GRCh38, chr7:103,515,302, plus strand): 5'-CTGCAGGGGAGCGCTCATGCTGGGGTACTGGGGCGCTGCTGAAGGTGTCCAGCATAACGG[T>C]CCTTTGGTCAGCAGAGCCTGAGATGAGGACATTGTCAATGGCCCAGTCGTTCTGATCCAG-3'
Protein context (NP_005036.2, residues 2658-2678): VLISGSADQR[Thr2668Ala]VMLDTFSSAP